The following is an entry in ClinVar:

NM_000243.3(MEFV):c.*1056G>T

Gene: MEFV (MEFV innate immunity regulator, pyrin; minus strand). Cytogenetic location: 16p13.3.
Variant type: single nucleotide variant.
Coding change: c.*1056G>T on transcript NM_000243.3 (MANE Select); 1056 bases downstream of the stop codon, G replaced by T.
Molecular consequence: 3 prime UTR variant.
Genome position (GRCh38, 1-based): chr16:3,242,085, C>A on the plus strand (G>T on the coding strand, the complement: MEFV is on the minus strand). VCF-style: chr16-3242085-C-A. GRCh37 (hg19) VCF-style: chr16-3292085-C-A.
Other names: c.*1606G>T (NM_001198536.2).
Identifiers: ClinVar variation 319086 (VCV000319086.6), dbSNP rs450021, ClinGen allele CA10647424.

ClinVar aggregate classification (germline): Benign. Review status: criteria provided, multiple submitters, no conflicts (2 of 4 stars). 2 submissions from 2 submitters: Benign (2). Last evaluated 2018-01-13.

Conditions:
Familial Mediterranean fever (FMF). Also called: Periodic peritonitis; Benign paroxysmal peritonitis; POLYSEROSITIS, FAMILIAL PAROXYSMAL; POLYSEROSITIS, RECURRENT. Identifiers: Orphanet 342, MedGen C0031069, MONDO:0018088, OMIM 249100. Disease mechanism: gain of function.

Allele frequency attached by ClinVar (database versions not stated): gnomAD 0.59688 and 0.59227; 1000 Genomes Project 30x 0.65428; gnomAD exomes 0.61711; 1000 Genomes Project 0.65096; TOPMed 0.60417.
gnomAD v4.1: 92,749 of 155,548 alleles (60%); highest among the groups gnomAD compares: South Asian, 72%; 27,975 homozygotes.

Submissions (2):

Illumina Laboratory Services, Illumina
Classification: Benign for Familial Mediterranean fever. Last evaluated: 2018-01-13. Review status: criteria provided, single submitter. Criteria: ICSL Variant Classification Criteria 13 December 2019. Collection method: clinical testing. Allele origin: germline.
Comment: This variant was observed in the ICSL laboratory as part of a predisposition screen in an ostensibly healthy population. It had not been previously curated by ICSL or reported in the Human Gene Mutation Database (HGMD: prior to June 1st, 2018), and was therefore a candidate for classification through an automated scoring system. Utilizing variant allele frequency, disease prevalence and penetrance estimates, and inheritance mode, an automated score was calculated to assess if this variant is too frequent to cause the disease. Based on the score and internal cut-off values, a variant classified as benign is not then subjected to further curation. The score for this variant resulted in a classification of benign for this disease.

Breakthrough Genomics
Classification: Benign. Review status: criteria provided, single submitter. Criteria: ACMG Guidelines, 2015. Collection method: not provided. Allele origin: germline. Inheritance: Autosomal recessive inheritance. Affected: yes.